The following is an entry in ClinVar:

ClinVar aggregate classification (germline): Likely benign (1 of 4 stars; one submission).

Allele frequency attached by ClinVar (database versions not stated): TOPMed below 0.00001; ExAC 0.00001; gnomAD exomes 0.00002.
gnomAD v4.1: 25 of 1,561,778 alleles (0.0016%); highest among the groups gnomAD compares: Admixed American, 0.0019%; no homozygotes.

Submission:

CeGaT Center for Human Genetics Tuebingen
Classification: Likely benign. Last evaluated: 2023-04-01. Review status: criteria provided, single submitter. Criteria: CeGaT Center For Human Genetics Tuebingen Variant Classification Criteria Version 2. Collection method: clinical testing. Allele origin: germline. Affected: yes. Observed: 1 variant allele.
Comment: AFF3: BP4, BP7

NM_001386135.1(AFF3):c.1653C>T (p.Pro551=)

Gene: AFF3 (ALF transcription elongation factor 3; minus strand). Cytogenetic location: 2q11.2.
Variant type: single nucleotide variant.
Coding change: c.1653C>T on transcript NM_001386135.1 (MANE Select); coding-DNA position 1653, C replaced by T.
Protein change: p.Pro551=; no amino-acid change (proline 551 retained).
Molecular consequence: synonymous variant.
Genome position (GRCh38, 1-based): chr2:99,594,008, G>A on the plus strand (C>T on the coding strand, the complement: AFF3 is on the minus strand). VCF-style: chr2-99594008-G-A. GRCh37 (hg19) VCF-style: chr2-100210470-G-A.
Other names: c.1728C>T, p.Pro576= (NM_001025108.2); c.1653C>T, p.Pro551= (NM_002285.3).
Identifiers: ClinVar variation 2651190 (VCV002651190.24), dbSNP rs763118251, ClinGen allele CA1801084.
Genomic context (GRCh38, chr2:99,594,008, plus strand): 5'-GGGCGCACAGGGCACTGCGGGTGGCGGGGCGGCTGCGCTCACCGCCACGGCCACGGCCGC[G>A]GGCGGGGACTTCTGCTTCACGCCTTTACTCCCAGGGGCCTTGTTGGCTGTCCTTGGCCTT-3'
Protein context (NP_001373064.1, residues 541-561): GSKGVKQKSP[Pro551=]AAVAVAVSAA